The following is an entry in ClinVar:

ClinVar aggregate classification (germline): Likely benign (0 of 4 stars; one submission).

Conditions:
FANCD2-related disorder. Also called: FANCD2-related condition.

Submission:

PreventionGenetics, part of Exact Sciences
Classification: Likely benign for FANCD2-related condition. Last evaluated: 2022-05-24. Review status: no assertion criteria provided. Collection method: clinical testing. Allele origin: germline.
Comment: This variant is classified as likely benign based on ACMG/AMP sequence variant interpretation guidelines (Richards et al. 2015 PMID: 25741868, with internal and published modifications).

NM_001018115.3(FANCD2):c.1872T>C (p.Ser624=)

Genes: FANCD2 (FA complementation group D2; plus strand), LOC107303338 (3p25 FANCD2 Alu-mediated recombination region; plus strand). Cytogenetic location: 3p25.3.
Variant type: single nucleotide variant.
Coding change: c.1872T>C on transcript NM_001018115.3 (MANE Select); coding-DNA position 1872, T replaced by C.
Protein change: p.Ser624=; no amino-acid change (serine 624 retained).
Molecular consequence: synonymous variant.
Genome position (GRCh38, 1-based): chr3:10,063,836, T>C. VCF-style: chr3-10063836-T-C. GRCh37 (hg19) VCF-style: chr3-10105520-T-C.
Other names: c.1872T>C, p.Ser624= (NM_001319984.2, NM_001374254.1, NM_033084.6); c.1761T>C, p.Ser587= (NM_001374253.1).
Identifiers: ClinVar variation 3052034 (VCV003052034.2), dbSNP rs2469965321, ClinGen allele CA432402359.